The following is an entry in ClinVar:

ClinVar aggregate classification (germline): Uncertain significance (1 of 4 stars; one submission).

Conditions:
Congenital myasthenic syndrome 8. Also called: Myasthenic syndrome, congenital, 8, with pre- and postsynaptic defects; MYASTHENIC SYNDROME, CONGENITAL, DUE TO AGRIN DEFICIENCY. Identifiers: Orphanet 590, MedGen C3808739, MONDO:0014052, OMIM 615120.

Allele frequency attached by ClinVar (database versions not stated): gnomAD exomes below 0.00001 and 0.00001; ExAC 0.00002.
gnomAD v4.1: 7 of 1,604,912 alleles (0.00044%); highest among the groups gnomAD compares: Middle Eastern, 0.017%; no homozygotes.

Submission:

Labcorp Genetics (formerly Invitae), Labcorp
Classification: Uncertain significance for Congenital myasthenic syndrome 8. Last evaluated: 2021-08-30. Review status: criteria provided, single submitter. Criteria: Invitae Variant Classification Sherloc (09022015). Collection method: clinical testing. Allele origin: germline.
Comment: This sequence change replaces threonine with alanine at codon 337 of the AGRN protein (p.Thr337Ala). The threonine residue is highly conserved and there is a small physicochemical difference between threonine and alanine. This variant is present in population databases (rs761043248, ExAC 0.01%). This variant has not been reported in the literature in individuals affected with AGRN-related conditions. Algorithms developed to predict the effect of missense changes on protein structure and function are either unavailable or do not agree on the potential impact of this missense change (SIFT: "Deleterious"; PolyPhen-2: "Possibly Damaging"; Align-GVGD: "Class C0"). In summary, the available evidence is currently insufficient to determine the role of this variant in disease. Therefore, it has been classified as a Variant of Uncertain Significance.

NM_198576.4(AGRN):c.1009A>G (p.Thr337Ala)

Gene: AGRN (agrin; plus strand). Cytogenetic location: 1p36.33.
Variant type: single nucleotide variant.
Coding change: c.1009A>G on transcript NM_198576.4 (MANE Select); coding-DNA position 1009, A replaced by G.
Protein change: p.Thr337Ala; replaces threonine 337 with alanine.
Molecular consequence: missense variant.
Genome position (GRCh38, 1-based): chr1:1,041,534, A>G. VCF-style: chr1-1041534-A-G. GRCh37 (hg19) VCF-style: chr1-976914-A-G.
Other names: c.1009A>G, p.Thr337Ala (NM_001305275.2); c.694A>G, p.Thr232Ala (NM_001364727.2); short protein forms T337A, T232A.
Identifiers: ClinVar variation 568172 (VCV000568172.8), dbSNP rs761043248, ClinGen allele CA507975.
Genomic context (GRCh38, chr1:1,041,534, plus strand): 5'-CCAGACCCCTGTCAGGGCGCCCTCCCTGACCCGAGCCGCAGCTGCCGTGTGAACCCGCGC[A>G]CGCGGCGCCCTGAGATGCTCCTACGGCCCGAGAGCTGCCCTGCCCGGCAGGCGCCAGTGT-3'
Protein context (NP_940978.2, residues 327-347): PSRSCRVNPR[Thr337Ala]RRPEMLLRPE